The following is an entry in ClinVar:

NM_000293.3(PHKB):c.2417A>G (p.His806Arg)

Gene: PHKB (phosphorylase kinase regulatory subunit beta; plus strand). Cytogenetic location: 16q12.1.
Variant type: single nucleotide variant.
Coding change: c.2417A>G on transcript NM_000293.3 (MANE Select); coding-DNA position 2417, A replaced by G.
Protein change: p.His806Arg; replaces histidine 806 with arginine.
Molecular consequence: missense variant. On other transcripts: intron variant (2).
Genome position (GRCh38, 1-based): chr16:47,664,965, A>G. VCF-style: chr16-47664965-A-G. GRCh37 (hg19) VCF-style: chr16-47698876-A-G.
Other names: c.2337-977A>G (NM_001363837.1); c.2316-977A>G (NM_001031835.3); short protein forms H806R.
Identifiers: ClinVar variation 4755101 (VCV004755101.1).

ClinVar aggregate classification (germline): Uncertain significance (1 of 4 stars; one submission).

Conditions:
Glycogen storage disease IXb (GSD9B). Also called: GLYCOGENOSIS OF LIVER AND MUSCLE, AUTOSOMAL RECESSIVE; GSD IXb; PHOSPHORYLASE KINASE DEFICIENCY OF LIVER AND MUSCLE, AUTOSOMAL RECESSIVE. Identifiers: Orphanet 79240, MedGen C0543514, MONDO:0009868, OMIM 261750.

gnomAD v4.1: 11 of 1,607,946 alleles (0.00068%); highest among the groups gnomAD compares: Non-Finnish European, 0.00094%; no homozygotes.

Submission:

Labcorp Genetics (formerly Invitae), Labcorp
Classification: Uncertain significance for Glycogen storage disease IXb. Last evaluated: 2025-10-24. Review status: criteria provided, single submitter. Criteria: Invitae Variant Classification Sherloc (09022015). Collection method: clinical testing. Allele origin: germline.
Comment: This sequence change replaces histidine, which is basic and polar, with arginine, which is basic and polar, at codon 806 of the PHKB protein (p.His806Arg). This variant is present in population databases (rs775234540, gnomAD 0.002%). This variant has not been reported in the literature in individuals affected with PHKB-related conditions. An algorithm developed to predict the effect of missense changes on protein structure and function (PolyPhen-2) suggests that this variant is likely to be tolerated. In summary, the available evidence is currently insufficient to determine the role of this variant in disease. Therefore, it has been classified as a Variant of Uncertain Significance.